The following is an entry in ClinVar:

ClinVar aggregate classification (germline): Likely benign (0 of 4 stars; one submission).

Conditions:
RFX4-related disorder. Also called: RFX4-related condition.

Submission:

PreventionGenetics, part of Exact Sciences
Classification: Likely benign for RFX4-related condition. Last evaluated: 2020-10-19. Review status: no assertion criteria provided. Collection method: clinical testing. Allele origin: germline.
Comment: This variant is classified as likely benign based on ACMG/AMP sequence variant interpretation guidelines (Richards et al. 2015 PMID: 25741868, with internal and published modifications).

NM_213594.3(RFX4):c.44-4_44-3dup

Genes: RFX4 (regulatory factor X4; plus strand), LOC100287944 (uncharacterized LOC100287944; minus strand). Cytogenetic location: 12q23.3.
Variant type: Duplication.
Coding change: c.44-4_44-3dup on transcript NM_213594.3 (MANE Select); 4 bases into the intron before coding-DNA position 44 through 3 bases into the intron before coding-DNA position 44, 2 bases duplicated (TT; older notation c.44-4_44-3dupTT).
Molecular consequence: intron variant.
Genome position (GRCh38, 1-based): chr12:106,608,793-106,608,794, TT duplicated; duplicating any 2 consecutive bases within chr12:106,608,781-106,608,794 gives the same sequence; the c. name uses the placement nearest the transcript's 3' end. VCF-style (leftmost placement, unchanged base first): chr12-106608780-C-CTT. GRCh37 (hg19) VCF-style: chr12-107002558-C-CTT.
Other names: c.71-4_71-3dup (NM_001206691.2).
Identifiers: ClinVar variation 3042661 (VCV003042661.2), dbSNP rs55993073, ClinGen allele CA6762584.
Genomic context (GRCh38, chr12:106,608,780, plus strand): 5'-CACAAACACCCACAGCAATTCTGTGATTTTCTTTTTTCTTTTTCTTTTCTTTCTTTCTTT[C>CTT]TTTTTTTTTTTTTTAGAGAGCTGGATTGAAAGATGTCTCAACGAAAGTGAAAACAAACGT-3'